The following is an entry in ClinVar:

ClinVar aggregate classification (germline): Pathogenic. Review status: criteria provided, multiple submitters, no conflicts (2 of 4 stars). 2 submissions from 2 submitters: Pathogenic (2). Last evaluated 2025-12-04.

Conditions:
Multiple congenital exostosis (EXT). Also called: MULTIPLE CARTILAGINOUS EXOSTOSES; Hereditary multiple osteochondromas; Hereditary multiple exostoses; Hereditary multiple exostosis; Multiple osteochondromas; Multiple exostoses. Identifiers: Orphanet 321, MedGen C0015306, MONDO:0005508, HP:0002762.
EXT1-related disorder. Also called: EXT1-related condition.

gnomAD v4.1: 1 of 1,613,992 alleles (0.000062%); no homozygotes.

Submissions (2):

PreventionGenetics, part of Exact Sciences
Classification: Pathogenic for EXT1-related condition. Last evaluated: 2025-12-04. Review status: criteria provided, single submitter. Criteria: ACMG Guidelines, 2015. Collection method: clinical testing. Allele origin: germline.
Comment: The EXT1 c.1192C>T variant is predicted to result in premature protein termination (p.Gln398*). This variant has been reported in individuals with multiple osteochondromas (Lonie et al. 2006. PubMed ID: 17041877; Table S2, Borovikov et al. 2024. PubMed ID: 40225915). This variant has not been reported in a large population database (gnomAD), indicating it is rare. Nonsense variants in EXT1 are expected to be pathogenic. This variant is interpreted as pathogenic.

Labcorp Genetics (formerly Invitae), Labcorp
Classification: Pathogenic for Multiple congenital exostosis. Last evaluated: 2021-08-09. Review status: criteria provided, single submitter. Criteria: Invitae Variant Classification Sherloc (09022015). Collection method: clinical testing. Allele origin: germline.
Comment: This variant is not present in population databases (ExAC no frequency). For these reasons, this variant has been classified as Pathogenic. Loss-of-function variants in EXT1 are known to be pathogenic (PMID: 10679937, 11391482, 19810120). This variant has been observed in an individual affected with multiple osteochondromas (PMID: 17041877). This sequence change creates a premature translational stop signal (p.Gln398*) in the EXT1 gene. It is expected to result in an absent or disrupted protein product.

Literature cited by the submitters: PubMed 10679937 (cited by Labcorp Genetics (formerly Invitae), Labcorp); PubMed 11391482 (cited by Labcorp Genetics (formerly Invitae), Labcorp); PubMed 19810120 (cited by Labcorp Genetics (formerly Invitae), Labcorp); PubMed 17041877 (cited by Labcorp Genetics (formerly Invitae), Labcorp).

NM_000127.3(EXT1):c.1192C>T (p.Gln398Ter)

Gene: EXT1 (exostosin glycosyltransferase 1; minus strand). Cytogenetic location: 8q24.11.
Variant type: single nucleotide variant.
Coding change: c.1192C>T on transcript NM_000127.3 (MANE Select); coding-DNA position 1192, C replaced by T.
Protein change: p.Gln398Ter; replaces glutamine 398 with a stop codon.
Molecular consequence: nonsense.
Genome position (GRCh38, 1-based): chr8:117,830,322, G>A on the plus strand (C>T on the coding strand, the complement: EXT1 is on the minus strand). VCF-style: chr8-117830322-G-A. GRCh37 (hg19) VCF-style: chr8-118842561-G-A.
Other names: short protein forms Q398*.
Identifiers: ClinVar variation 846943 (VCV000846943.10), dbSNP rs561006425, ClinGen allele CA371890592.
Genomic context (GRCh38, chr8:117,830,322, plus strand): 5'-AAGAAAAATAAGCCTCCCACAAGAATTGTGTCTGCTGTCTAAGTGCTAGGATTTTATCCT[G>A]ATGAATAGACCTGATTGTAGAAGGAATCTGTAACACAAGGTGAACACATAGGAATTATAA-3'